The following is an entry in ClinVar:

ClinVar aggregate classification (germline): Benign/Likely benign. Review status: criteria provided, multiple submitters, no conflicts (2 of 4 stars). 4 submissions from 4 submitters: Benign (2); Likely benign (1). 1 of the submissions does not count toward it. Last evaluated 2026-02-02.

Conditions:
Glycogen storage disease IXa1. Also called: LIVER GLYCOGENOSIS, X-LINKED, TYPE I; GLYCOGEN STORAGE DISEASE VIII; GSD VIII; Glycogen storage disease 8. Identifiers: Orphanet 264580, MedGen C3694531, MONDO:0010598, OMIM 306000.

Allele frequency attached by ClinVar (database versions not stated): 1000 Genomes Project 30x 0.00021; 1000 Genomes Project 0.00026; gnomAD 0.00266 and 0.00267; TOPMed 0.00269; ESP Exome Variant Server 0.00293; gnomAD exomes 0.00329; ExAC 0.00335.
gnomAD v4.1: 5,432 of 1,208,437 alleles (0.45%); highest among the groups gnomAD compares: Non-Finnish European, 0.53%; 11 homozygotes.

Submissions (4):

Labcorp Genetics (formerly Invitae), Labcorp
Classification: Benign for Glycogen storage disease IXa1. Last evaluated: 2026-02-02. Review status: criteria provided, single submitter. Criteria: Invitae Variant Classification Sherloc (09022015). Collection method: clinical testing. Allele origin: germline.

Blueprint Genetics
Classification: Likely benign. Last evaluated: 2024-11-28. Review status: criteria provided, single submitter. Criteria: ACMG Guidelines, 2015. Collection method: clinical testing. Allele origin: germline.

GeneDx
Classification: Benign. Last evaluated: 2017-01-04. Review status: criteria provided, single submitter. Criteria: GeneDx Variant Classification (06012015). Collection method: clinical testing. Allele origin: germline. Affected: yes.
Comment: This variant is considered likely benign or benign based on one or more of the following criteria: it is a conservative change, it occurs at a poorly conserved position in the protein, it is predicted to be benign by multiple in silico algorithms, and/or has population frequency not consistent with disease.

Mayo Clinic Laboratories, Mayo Clinic
Classification: Likely benign. Last evaluated: 2017-05-03. Review status: no assertion criteria provided. Collection method: clinical testing. Allele origin: unknown. Not counted in ClinVar's aggregate classification.

NM_000292.3(PHKA2):c.3282+13G>A

Gene: PHKA2 (phosphorylase kinase regulatory subunit alpha 2; minus strand). Cytogenetic location: Xp22.13.
Variant type: single nucleotide variant.
Coding change: c.3282+13G>A on transcript NM_000292.3 (MANE Select); 13 bases into the intron after coding-DNA position 3282, G replaced by A.
Molecular consequence: intron variant.
Genome position (GRCh38, 1-based): chrX:18,897,150, C>T on the plus strand (G>A on the coding strand, the complement: PHKA2 is on the minus strand). VCF-style: chrX-18897150-C-T. GRCh37 (hg19) VCF-style: chrX-18915268-C-T.
Identifiers: ClinVar variation 380572 (VCV000380572.14), dbSNP rs200925279, ClinGen allele CA10361381.
Genomic context (GRCh38, chrX:18,897,150, plus strand): 5'-GGAGGTGCCACCATGCCTTGCCAGGACAGTAAGGGGACGGTTCACTTCCCCAGGAGCTCG[C>T]GTCTCGGCTTACCTTCTGGAGGATCTTCCACACCCTCTGGTAGAATCCCACGGGGACCCT-3'